The following is an entry in ClinVar:

ClinVar aggregate classification (germline): Likely benign. Review status: criteria provided, multiple submitters, no conflicts (2 of 4 stars). 2 submissions from 2 submitters: Likely benign (2). Last evaluated 2025-08-01.

Conditions:
Familial hypobetalipoproteinemia 1. Also called: Hypobetalipoproteinemia, normotriglyceridemic; Acanthocytosis with hypobetalipoproteinemia; APOB-Related Familial Hypobetalipoproteinemia. Identifiers: MedGen C4551990, MONDO:0014252, OMIM 615558.
Hypercholesterolemia, autosomal dominant, type B (FHCL2). Also called: APOB-Related Familial Hypercholesterolemia, Autosomal Dominant; HYPERCHOLESTEROLEMIA, FAMILIAL, DUE TO LIGAND-DEFECTIVE APOLIPOPROTEIN B; Familial Hypercholesterolemia Type B; APOLIPOPROTEIN B-100, FAMILIAL DEFECTIVE; APOLIPOPROTEIN B-100, FAMILIAL LIGAND-DEFECTIVE; Hyperlipoproteinemia Type IIb. Identifiers: MedGen C1704417, MONDO:0007751, OMIM 144010.

Submissions (2):

CeGaT Center for Human Genetics Tuebingen
Classification: Likely benign. Last evaluated: 2025-08-01. Review status: criteria provided, single submitter. Criteria: CeGaT Center For Human Genetics Tuebingen Variant Classification Criteria Version 2. Collection method: clinical testing. Allele origin: germline. Affected: yes. Observed: 1 variant allele.
Comment: APOB: PM2:Supporting, BP4, BP7

Labcorp Genetics (formerly Invitae), Labcorp
Classification: Likely benign for Familial hypobetalipoproteinemia 1; Hypercholesterolemia, autosomal dominant, type B. Last evaluated: 2022-05-22. Review status: criteria provided, single submitter. Criteria: Invitae Variant Classification Sherloc (09022015). Collection method: clinical testing. Allele origin: germline.

NM_000384.3(APOB):c.5295C>T (p.Asp1765=)

Gene: APOB (apolipoprotein B; minus strand). Cytogenetic location: 2p24.1.
Variant type: single nucleotide variant.
Coding change: c.5295C>T on transcript NM_000384.3 (MANE Select); coding-DNA position 5295, C replaced by T.
Protein change: p.Asp1765=; no amino-acid change (aspartic acid 1765 retained).
Molecular consequence: synonymous variant.
Genome position (GRCh38, 1-based): chr2:21,011,573, G>A on the plus strand (C>T on the coding strand, the complement: APOB is on the minus strand). VCF-style: chr2-21011573-G-A. GRCh37 (hg19) VCF-style: chr2-21234445-G-A.
Identifiers: ClinVar variation 1938585 (VCV001938585.13), dbSNP rs2465375460, ClinGen allele CA425346607.